The following is an entry in ClinVar:

ClinVar aggregate classification (germline): Uncertain significance (1 of 4 stars; one submission).

Conditions:
Hereditary cancer-predisposing syndrome. Also called: Hereditary Cancer Syndrome; Neoplastic Syndromes, Hereditary; Tumor predisposition; Hereditary neoplastic syndrome. Identifiers: Orphanet 140162, MedGen C0027672, MeSH D009386, MONDO:0015356.

Submission:

Ambry Genetics
Classification: Uncertain significance for Hereditary cancer-predisposing syndrome. Last evaluated: 2026-08-28. Review status: criteria provided, single submitter. Criteria: Ambry Variant Classification Scheme 2023. Collection method: clinical testing. Allele origin: germline.
Comment: The p.H870Y variant (also known as c.2608C>T), located in coding exon 21 of the EGFR gene, results from a C to T substitution at nucleotide position 2608. The histidine at codon 870 is replaced by tyrosine, an amino acid with similar properties. This amino acid position is highly conserved in available vertebrate species. In addition, the in silico prediction for this alteration is inconclusive. Based on the available evidence, the clinical significance of this variant remains unclear.

NM_005228.5(EGFR):c.2608C>T (p.His870Tyr)

Gene: EGFR (epidermal growth factor receptor; plus strand). Cytogenetic location: 7p11.2.
Variant type: single nucleotide variant.
Coding change: c.2608C>T on transcript NM_005228.5 (MANE Select); coding-DNA position 2608, C replaced by T.
Protein change: p.His870Tyr; replaces histidine 870 with tyrosine.
Molecular consequence: missense variant.
Genome position (GRCh38, 1-based): chr7:55,191,857, C>T. VCF-style: chr7-55191857-C-T. GRCh37 (hg19) VCF-style: chr7-55259550-C-T.
Other names: c.2473C>T, p.His825Tyr (NM_001346899.2, NM_001346897.2); c.2449C>T, p.His817Tyr (NM_001346900.2); c.1807C>T, p.His603Tyr (NM_001346941.2); c.2608C>T, p.His870Tyr (NM_001346898.2); short protein forms H603Y, H870Y, H817Y, H825Y.
Identifiers: ClinVar variation 5035834 (VCV005035834.1).